The following is an entry in ClinVar:

NC_000002.11:g.(?_215593400)_(215617289_?)del

Gene: BARD1 (BRCA1 associated RING domain 1; minus strand). Cytogenetic location: 2q35.
Variant type: Deletion.
Identifiers: ClinVar variation 1076132 (VCV001076132.3).

ClinVar aggregate classification (germline): Pathogenic (1 of 4 stars; one submission).

Conditions:
Familial cancer of breast. Also called: hereditary breast carcinoma; Hereditary breast cancer; BREAST CANCER, FAMILIAL. Identifiers: Orphanet 227535, MedGen C0346153, MONDO:0016419, OMIM 114480. Disease mechanism: loss of function.

Submission:

Labcorp Genetics (formerly Invitae), Labcorp
Classification: Pathogenic for Familial cancer of breast. Last evaluated: 2022-10-03. Review status: criteria provided, single submitter. Criteria: Invitae Variant Classification Sherloc (09022015). Collection method: clinical testing. Allele origin: germline.
Comment: This variant is a gross deletion of the genomic region encompassing exon(s) 7-11 of the BARD1 gene, which includes the termination codon. This deletion extends beyond the assayed region for this gene and therefore may encompass additional genes. While this deletion is not anticipated to lead to nonsense mediated decay, it is expected to alter mRNA translation or result in a truncated protein product. This variant has not been reported in the literature in individuals affected with BARD1-related conditions. Algorithms developed to predict the effect of variants on protein structure and function are not available or were not evaluated for this variant. Experimental studies have shown that a similar copy number variant affects BARD1 function (PMID: 17848578). For these reasons, this variant has been classified as Pathogenic.

Literature cited by the submitters: PubMed 17848578.